The following is an entry in ClinVar:

NM_014319.5(LEMD3):c.1019C>A (p.Ala340Glu)

Gene: LEMD3 (LEM domain containing 3; plus strand). Cytogenetic location: 12q14.3.
Variant type: single nucleotide variant.
Coding change: c.1019C>A on transcript NM_014319.5 (MANE Select); coding-DNA position 1019, C replaced by A.
Protein change: p.Ala340Glu; replaces alanine 340 with glutamic acid.
Molecular consequence: missense variant.
Genome position (GRCh38, 1-based): chr12:65,170,615, C>A. VCF-style: chr12-65170615-C-A. GRCh37 (hg19) VCF-style: chr12-65564395-C-A.
Other names: c.1019C>A, p.Ala340Glu (NM_001167614.2); short protein forms A340E.
Identifiers: ClinVar variation 2813868 (VCV002813868.3), dbSNP rs1235616255, ClinGen allele CA385674741.

ClinVar aggregate classification (germline): Uncertain significance (1 of 4 stars; one submission).

Submission:

Labcorp Genetics (formerly Invitae), Labcorp
Classification: Uncertain significance. Last evaluated: 2025-02-27. Review status: criteria provided, single submitter. Criteria: Invitae Variant Classification Sherloc (09022015). Collection method: clinical testing. Allele origin: germline.
Comment: This sequence change replaces alanine, which is neutral and non-polar, with glutamic acid, which is acidic and polar, at codon 340 of the LEMD3 protein (p.Ala340Glu). This variant is not present in population databases (gnomAD no frequency). This variant has not been reported in the literature in individuals affected with LEMD3-related conditions. ClinVar contains an entry for this variant (Variation ID: 2813868). Invitae Evidence Modeling of protein sequence and biophysical properties (such as structural, functional, and spatial information, amino acid conservation, physicochemical variation, residue mobility, and thermodynamic stability) indicates that this missense variant is not expected to disrupt LEMD3 protein function with a negative predictive value of 80%. In summary, the available evidence is currently insufficient to determine the role of this variant in disease. Therefore, it has been classified as a Variant of Uncertain Significance.